The following is an entry in ClinVar:

ClinVar aggregate classification (germline): Uncertain significance (1 of 4 stars; one submission).

Conditions:
Inborn genetic diseases. Identifiers: MedGen C0950123, MeSH D030342.

gnomAD v4.1: 4 of 1,613,734 alleles (0.00025%); highest among the groups gnomAD compares: Admixed American, 0.0033%; no homozygotes.

Submission:

Ambry Genetics
Classification: Uncertain significance for Inborn genetic diseases. Last evaluated: 2024-09-08. Review status: criteria provided, single submitter. Criteria: Ambry Variant Classification Scheme 2023. Collection method: clinical testing. Allele origin: germline.
Comment: The p.P1110R variant (also known as c.3329C>G), located in coding exon 16 of the ATR gene, results from a C to G substitution at nucleotide position 3329. The proline at codon 1110 is replaced by arginine, an amino acid with dissimilar properties. This amino acid position is conserved. In addition, the in silico prediction for this alteration is inconclusive. Based on the available evidence, the clinical significance of this variant remains unclear.

NM_001184.4(ATR):c.3329C>G (p.Pro1110Arg)

Gene: ATR (ATR serine/threonine kinase; minus strand). Cytogenetic location: 3q23.
Variant type: single nucleotide variant.
Coding change: c.3329C>G on transcript NM_001184.4 (MANE Select); coding-DNA position 3329, C replaced by G.
Protein change: p.Pro1110Arg; replaces proline 1110 with arginine.
Molecular consequence: missense variant.
Genome position (GRCh38, 1-based): chr3:142,547,753, G>C on the plus strand (C>G on the coding strand, the complement: ATR is on the minus strand). VCF-style: chr3-142547753-G-C. GRCh37 (hg19) VCF-style: chr3-142266595-G-C.
Other names: c.3137C>G, p.Pro1046Arg (NM_001354579.2); short protein forms P1110R, P1046R.
Identifiers: ClinVar variation 3460772 (VCV003460772.1).
Genomic context (GRCh38, chr3:142,547,753, plus strand): 5'-AACAAAAAAACCTCATAGAACATATTCCTTACCATCAGTTCAGGTGATATGATATCTCTC[G>C]GGCCCTGATATGGATCATCACTGGATGCAAATGAGGCAAGTATTGACAAACCATTAAAAA-3'
Protein context (NP_001175.2, residues 1100-1120): FASSDDPYQG[Pro1110Arg]RDIISPELMA